The following is an entry in ClinVar:

NM_022725.4(FANCF):c.696G>C (p.Glu232Asp)

Gene: FANCF (FA complementation group F; minus strand). Cytogenetic location: 11p14.3.
Variant type: single nucleotide variant.
Coding change: c.696G>C on transcript NM_022725.4 (MANE Select); coding-DNA position 696, G replaced by C.
Protein change: p.Glu232Asp; replaces glutamic acid 232 with aspartic acid.
Molecular consequence: missense variant.
Genome position (GRCh38, 1-based): chr11:22,625,115, C>G on the plus strand (G>C on the coding strand, the complement: FANCF is on the minus strand). VCF-style: chr11-22625115-C-G. GRCh37 (hg19) VCF-style: chr11-22646661-C-G.
Other names: short protein forms E232D.
Identifiers: ClinVar variation 1691928 (VCV001691928.1), dbSNP rs1590541131, ClinGen allele CA380058517.
Genomic context (GRCh38, chr11:22,625,115, plus strand): 5'-ACAAAAGGCAGCAAAGACTTCCGAATTCCCCAGAAGCCAGTGGACTAGCACTTGGCTCCC[C>G]TCTCCAGGTGATTTGTGGATGCCGGGTTCCAACTCTTCTTGGGGCCGACGAGACAAAGGC-3'
Protein context (NP_073562.1, residues 222-242): LEPGIHKSPG[Glu232Asp]GSQVLVHWLL

ClinVar aggregate classification (germline): Uncertain significance (1 of 4 stars; one submission).

Conditions:
Fanconi anemia (FA). Also called: Fanconi's anemia. Identifiers: Orphanet 84, MedGen C0015625, MeSH D005199, MONDO:0019391.

Allele frequency attached by ClinVar (database versions not stated): gnomAD exomes below 0.00001; TOPMed 0.00001.

Submission:

Sema4
Classification: Uncertain significance for Fanconi anemia. Last evaluated: 2022-02-16. Review status: criteria provided, single submitter. Criteria: Sema4 Curation Guidelines. Collection method: curation. Allele origin: germline.
Comment: The FANCF c.696G>C (p.E232D) variant has not been reported in the literature to our knowledge. It was not observed in the large and broad cohorts of the Genome Aggregation Database (PMID: 32461654). This variant has not been reported in ClinVar. In silico tools suggest the impact of the variant on protein function is benign, though these predictions have not been confirmed by functional studies. The evidence is insufficient to meet ACMG/AMP criteria for classifying the variant as benign or pathogenic. Thus, the clinical significance of this variant is currently uncertain.